The following is an entry in ClinVar:

ClinVar aggregate classification (germline): Likely benign (0 of 4 stars; one submission).

Conditions:
MYT1-related disorder. Also called: MYT1-related condition.

Allele frequency attached by ClinVar (database versions not stated): ExAC 0.00002; gnomAD 0.00002; TOPMed 0.00006; ESP Exome Variant Server 0.00008.
gnomAD v4.1: 17 of 1,594,758 alleles (0.0011%); highest among the groups gnomAD compares: African/African-American, 0.011%; no homozygotes.

Submission:

PreventionGenetics, part of Exact Sciences
Classification: Likely benign for MYT1-related condition. Last evaluated: 2019-03-12. Review status: no assertion criteria provided. Collection method: clinical testing. Allele origin: germline.
Comment: This variant is classified as likely benign based on ACMG/AMP sequence variant interpretation guidelines (Richards et al. 2015 PMID: 25741868, with internal and published modifications).

NM_004535.3(MYT1):c.2130C>T (p.Pro710=)

Gene: MYT1 (myelin transcription factor 1; plus strand). Cytogenetic location: 20q13.33.
Variant type: single nucleotide variant.
Coding change: c.2130C>T on transcript NM_004535.3 (MANE Select); coding-DNA position 2130, C replaced by T.
Protein change: p.Pro710=; no amino-acid change (proline 710 retained).
Molecular consequence: synonymous variant.
Genome position (GRCh38, 1-based): chr20:64,219,871, C>T. VCF-style: chr20-64219871-C-T. GRCh37 (hg19) VCF-style: chr20-62851224-C-T.
Identifiers: ClinVar variation 3048490 (VCV003048490.2), dbSNP rs374089209, ClinGen allele CA9975085.